The following is an entry in ClinVar:

NM_025152.3(NUBPL):c.608-16G>A

Gene: NUBPL (NUBP iron-sulfur cluster assembly factor, mitochondrial; plus strand). Cytogenetic location: 14q12.
Variant type: single nucleotide variant.
Coding change: c.608-16G>A on transcript NM_025152.3 (MANE Select); 16 bases into the intron before coding-DNA position 608, G replaced by A.
Molecular consequence: intron variant.
Genome position (GRCh38, 1-based): chr14:31,826,613, G>A. VCF-style: chr14-31826613-G-A. GRCh37 (hg19) VCF-style: chr14-32295819-G-A.
Other names: c.320-16G>A (NM_001201573.2); c.59-16G>A (NM_001201574.2).
Identifiers: ClinVar variation 378308 (VCV000378308.11), dbSNP rs140247189, ClinGen allele CA7147921.

ClinVar aggregate classification (germline): Benign/Likely benign. Review status: criteria provided, multiple submitters, no conflicts (2 of 4 stars). 4 submissions from 4 submitters: Benign (1); Likely benign (3). Last evaluated 2025-10-01.

Allele frequency attached by ClinVar (database versions not stated): gnomAD exomes 0.00022 and 0.00060; ExAC 0.00074; gnomAD 0.00254 and 0.00266; 1000 Genomes Project 0.00260; TOPMed 0.00278; 1000 Genomes Project 30x 0.00328; ESP Exome Variant Server 0.00330.
gnomAD v4.1: 734 of 1,605,726 alleles (0.046%); highest among the groups gnomAD compares: African/African-American, 0.84%; 4 homozygotes.

Submissions (4):

Labcorp Genetics (formerly Invitae), Labcorp
Classification: Benign. Last evaluated: 2025-10-01. Review status: criteria provided, single submitter. Criteria: Invitae Variant Classification Sherloc (09022015). Collection method: clinical testing. Allele origin: germline.

Blueprint Genetics
Classification: Likely benign. Last evaluated: 2024-07-19. Review status: criteria provided, single submitter. Criteria: ACMG Guidelines, 2015. Collection method: clinical testing. Allele origin: germline.

GeneDx
Classification: Likely benign. Last evaluated: 2018-03-05. Review status: criteria provided, single submitter. Criteria: GeneDx Variant Classification (06012015). Collection method: clinical testing. Allele origin: germline. Affected: yes.
Comment: This variant is considered likely benign or benign based on one or more of the following criteria: it is a conservative change, it occurs at a poorly conserved position in the protein, it is predicted to be benign by multiple in silico algorithms, and/or has population frequency not consistent with disease.

Center for Pediatric Genomic Medicine, Children's Mercy Hospital and Clinics
Classification: Likely benign. Last evaluated: 2017-05-03. Review status: criteria provided, single submitter. Criteria: ACMG Guidelines, 2015. Collection method: clinical testing. Allele origin: germline.